The following is an entry in ClinVar:

ClinVar aggregate classification (germline): Likely benign (0 of 4 stars; one submission).

Conditions:
ZFP36L2-related disorder. Also called: ZFP36L2-related condition.

Allele frequency attached by ClinVar (database versions not stated): gnomAD exomes 0.00036; ESP Exome Variant Server 0.00047; gnomAD 0.00082; TOPMed 0.00091; 1000 Genomes Project 30x 0.00109; ExAC 0.00231.

Submission:

PreventionGenetics, part of Exact Sciences
Classification: Likely benign for ZFP36L2-related condition. Last evaluated: 2019-12-26. Review status: no assertion criteria provided. Collection method: clinical testing. Allele origin: germline.
Comment: This variant is classified as likely benign based on ACMG/AMP sequence variant interpretation guidelines (Richards et al. 2015 PMID: 25741868, with internal and published modifications).

NM_006887.5(ZFP36L2):c.1227G>A (p.Pro409=)

Gene: ZFP36L2 (ZFP36 ring finger protein like 2; minus strand). Cytogenetic location: 2p21.
Variant type: single nucleotide variant.
Coding change: c.1227G>A on transcript NM_006887.5 (MANE Select); coding-DNA position 1227, G replaced by A.
Protein change: p.Pro409=; no amino-acid change (proline 409 retained).
Molecular consequence: synonymous variant.
Genome position (GRCh38, 1-based): chr2:43,224,577, C>T on the plus strand (G>A on the coding strand, the complement: ZFP36L2 is on the minus strand). VCF-style: chr2-43224577-C-T. GRCh37 (hg19) VCF-style: chr2-43451716-C-T.
Identifiers: ClinVar variation 3044335 (VCV003044335.2), dbSNP rs369421544, ClinGen allele CA1631288.